The following is an entry in ClinVar:

ClinVar aggregate classification (germline): Uncertain significance (1 of 4 stars; one submission).

Conditions:
Neuropathy, hereditary sensory, type 2C. Also called: KIF1A-Related HSAN2 (HSAN2C); Hereditary sensory and autonomic neuropathy type IIC. Identifiers: Orphanet 970, MedGen C3280168, MONDO:0013634, OMIM 614213.
Hereditary spastic paraplegia 30. Identifiers: Orphanet 101010, MedGen C5235139, MONDO:0012476.
Intellectual disability, autosomal dominant 9 (NESCAVS). Also called: KIF1A-Related Neurodevelopmental Disorder; NESCAV SYNDROME. Identifiers: Orphanet 662367, MedGen C5393830, MONDO:0013656, OMIM 614255.

Submission:

Labcorp Genetics (formerly Invitae), Labcorp
Classification: Uncertain significance for Hereditary spastic paraplegia 30; Neuropathy, hereditary sensory, type 2C; Intellectual disability, autosomal dominant 9. Last evaluated: 2025-07-09. Review status: criteria provided, single submitter. Criteria: Invitae Variant Classification Sherloc (09022015). Collection method: clinical testing. Allele origin: germline.
Comment: This sequence change replaces alanine, which is neutral and non-polar, with threonine, which is neutral and polar, at codon 9 of the KIF1A protein (p.Ala9Thr). This variant is not present in population databases (gnomAD no frequency). This variant has not been reported in the literature in individuals affected with KIF1A-related conditions. Invitae Evidence Modeling of protein sequence and biophysical properties (such as structural, functional, and spatial information, amino acid conservation, physicochemical variation, residue mobility, and thermodynamic stability) indicates that this missense variant is expected to disrupt KIF1A protein function with a positive predictive value of 95%. In summary, the available evidence is currently insufficient to determine the role of this variant in disease. Therefore, it has been classified as a Variant of Uncertain Significance.

NM_001244008.2(KIF1A):c.25G>A (p.Ala9Thr)

Gene: KIF1A (kinesin family member 1A; minus strand). Cytogenetic location: 2q37.3.
Variant type: single nucleotide variant.
Coding change: c.25G>A on transcript NM_001244008.2 (MANE Select); coding-DNA position 25, G replaced by A.
Protein change: p.Ala9Thr; replaces alanine 9 with threonine.
Molecular consequence: missense variant.
Genome position (GRCh38, 1-based): chr2:240,797,728, C>T on the plus strand (G>A on the coding strand, the complement: KIF1A is on the minus strand). VCF-style: chr2-240797728-C-T. GRCh37 (hg19) VCF-style: chr2-241737145-C-T.
Other names: c.25G>A, p.Ala9Thr (NM_001320705.2, NM_001330289.2, NM_001330290.2 and 20 more transcripts); short protein forms A9T.
Identifiers: ClinVar variation 4789389 (VCV004789389.1).
Genomic context (GRCh38, chr2:240,797,728, plus strand): 5'-GAATGATGCACTTGGAGTCACGGCTCATTTCCCGGGAATTGAAGGGGCGGACCCGCACCG[C>T]CACCTTCACCGAAGCCCCGGCCATCTCTGTGGCCTTCGTGGGTCACTCCTCGCAGTAGTG-3'
Protein context (NP_001230937.1, residues 1-19): MAGASVKV[Ala9Thr]VRVRPFNSRE